The following is an entry in ClinVar:

ClinVar aggregate classification (germline): Likely benign (1 of 4 stars; one submission).

gnomAD v4.1: 73 of 1,470,028 alleles (0.005%); highest among the groups gnomAD compares: South Asian, 0.021%; no homozygotes.

Submission:

CeGaT Center for Human Genetics Tuebingen
Classification: Likely benign. Last evaluated: 2026-03-01. Review status: criteria provided, single submitter. Criteria: CeGaT Center For Human Genetics Tuebingen Variant Classification Criteria Version 2. Collection method: clinical testing. Allele origin: germline. Affected: yes. Observed: 1 variant allele.
Comment: CELF4: BP4, BP7

NM_020180.4(CELF4):c.1302C>T (p.Asp434=)

Gene: CELF4 (CUGBP Elav-like family member 4; minus strand). Cytogenetic location: 18q12.2.
Variant type: single nucleotide variant.
Coding change: c.1302C>T on transcript NM_020180.4 (MANE Select); coding-DNA position 1302, C replaced by T.
Protein change: p.Asp434=; no amino-acid change (aspartic acid 434 retained).
Molecular consequence: synonymous variant. On other transcripts: non-coding transcript variant (9), intron variant (24).
Genome position (GRCh38, 1-based): chr18:37,259,212, G>A on the plus strand (C>T on the coding strand, the complement: CELF4 is on the minus strand). VCF-style: chr18-37259212-G-A. GRCh37 (hg19) VCF-style: chr18-34839175-G-A.
Other names: c.1299C>T, p.Asp433= (NM_001025087.2, NM_001353698.2, NM_001353731.2 and 4 more transcripts); c.1296C>T, p.Asp432= (NM_001025088.2, NM_001330603.2, NM_001353724.2 and 3 more transcripts); c.1266C>T, p.Asp422= (NM_001353695.2, NM_001353710.2, NM_001353721.2 and 4 more transcripts); c.1293C>T, p.Asp431= (NM_001353702.2, NM_001353718.2); c.1272C>T, p.Asp424= (NM_001353703.2, NM_001353717.2); c.1263C>T, p.Asp421= (NM_001353705.2, NM_001353711.2, NM_001353714.2 and 2 more transcripts); c.1269C>T, p.Asp423= (NM_001353707.2, NM_001353709.2, NM_001353726.2 and 4 more transcripts); c.1290C>T, p.Asp430= (NM_001353712.2); and 16 more.
Identifiers: ClinVar variation 4820862 (VCV004820862.4).
Genomic context (GRCh38, chr18:37,259,212, plus strand): 5'-CACAAACACTTTCGAGGAGATGACATTACCGAAAGGGAGGAACATCTGCATCAGCTCAGC[G>A]TCCCCAAACTCCTGGGGCAGATGGTAGATGAACAGGTTACAGCCCTCGGGCCCTGCGGTG-3'
Protein context (NP_064565.1, residues 424-444): FIYHLPQEFG[Asp434=]AELMQMFLPF